The following is an entry in ClinVar:

ClinVar aggregate classification (germline): Uncertain significance. Review status: criteria provided, multiple submitters, no conflicts (2 of 4 stars). 3 submissions from 3 submitters: Uncertain significance (3). Last evaluated 2024-08-14.

Conditions:
Inborn genetic diseases. Identifiers: MedGen C0950123, MeSH D030342.
Peroxisome biogenesis disorder 11A (Zellweger). Also called: Peroxisome biogenesis disorder 11A. Identifiers: Orphanet 912, MedGen C3554000, MONDO:0013949, OMIM 614883.

Allele frequency attached by ClinVar (database versions not stated): gnomAD 0.00001.
gnomAD v4.1: 7 of 1,614,000 alleles (0.00043%); highest among the groups gnomAD compares: Non-Finnish European, 0.00059%; no homozygotes.

Submissions (3):

Ambry Genetics
Classification: Uncertain significance for Inborn genetic diseases. Last evaluated: 2024-08-14. Review status: criteria provided, single submitter. Criteria: Ambry Variant Classification Scheme 2023. Collection method: clinical testing. Allele origin: germline.

GeneDx
Classification: Uncertain significance. Last evaluated: 2023-12-10. Review status: criteria provided, single submitter. Criteria: GeneDx Variant Classification Process June 2021. Collection method: clinical testing. Allele origin: germline. Affected: yes.
Comment: Has not been previously published as pathogenic or benign to our knowledge; Not observed at significant frequency in large population cohorts (gnomAD); In silico analysis supports that this missense variant has a deleterious effect on protein structure/function

Labcorp Genetics (formerly Invitae), Labcorp
Classification: Uncertain significance for Peroxisome biogenesis disorder 11A (Zellweger). Last evaluated: 2022-08-07. Review status: criteria provided, single submitter. Criteria: Invitae Variant Classification Sherloc (09022015). Collection method: clinical testing. Allele origin: germline.
Comment: This sequence change replaces glycine, which is neutral and non-polar, with arginine, which is basic and polar, at codon 128 of the PEX13 protein (p.Gly128Arg). This variant is not present in population databases (gnomAD no frequency). This variant has not been reported in the literature in individuals affected with PEX13-related conditions. Algorithms developed to predict the effect of missense changes on protein structure and function are either unavailable or do not agree on the potential impact of this missense change (SIFT: "Deleterious"; PolyPhen-2: "Probably Damaging"; Align-GVGD: "Class C15"). In summary, the available evidence is currently insufficient to determine the role of this variant in disease. Therefore, it has been classified as a Variant of Uncertain Significance.

NM_002618.4(PEX13):c.382G>C (p.Gly128Arg)

Gene: PEX13 (peroxisomal biogenesis factor 13; plus strand). Cytogenetic location: 2p15.
Variant type: single nucleotide variant.
Coding change: c.382G>C on transcript NM_002618.4 (MANE Select); coding-DNA position 382, G replaced by C.
Protein change: p.Gly128Arg; replaces glycine 128 with arginine.
Molecular consequence: missense variant.
Genome position (GRCh38, 1-based): chr2:61,031,708, G>C. VCF-style: chr2-61031708-G-C. GRCh37 (hg19) VCF-style: chr2-61258843-G-C.
Other names: c.382G>C (NM_002618.3); short protein forms G128R.
Identifiers: ClinVar variation 2149787 (VCV002149787.3), dbSNP rs1680453602, ClinGen allele CA346942418.